The following is an entry in ClinVar:

ClinVar aggregate classification (germline): Benign (1 of 4 stars; one submission).

Allele frequency attached by ClinVar (database versions not stated): 1000 Genomes Project 0.00120; 1000 Genomes Project 30x 0.00250; TOPMed 0.00406; gnomAD 0.00419.
gnomAD v4.1: 636 of 152,268 alleles (0.42%); highest among the groups gnomAD compares: Middle Eastern, 0.68%; 2 homozygotes.

Submission:

CeGaT Center for Human Genetics Tuebingen
Classification: Benign. Last evaluated: 2022-12-01. Review status: criteria provided, single submitter. Criteria: CeGaT Center For Human Genetics Tuebingen Variant Classification Criteria Version 2. Collection method: clinical testing. Allele origin: germline. Affected: yes. Observed: 4 variant alleles.
Comment: BRSK2: BS1, BS2

NM_001256627.2(BRSK2):c.1288-200C>T

Gene: BRSK2 (BR serine/threonine kinase 2; plus strand). Cytogenetic location: 11p15.5.
Variant type: single nucleotide variant.
Coding change: c.1288-200C>T on transcript NM_001256627.2 (MANE Select); 200 bases into the intron before coding-DNA position 1288, C replaced by T.
Molecular consequence: intron variant.
Genome position (GRCh38, 1-based): chr11:1,450,387, C>T. VCF-style: chr11-1450387-C-T. GRCh37 (hg19) VCF-style: chr11-1471617-C-T.
Other names: c.1288-200C>T (NM_001256629.2, NM_003957.4); c.1108-200C>T (NM_001282218.2); c.1426-200C>T (NM_001256630.1).
Identifiers: ClinVar variation 2641332 (VCV002641332.24), dbSNP rs181114746, ClinGen allele CA216134599.